The following is an entry in ClinVar:

ClinVar aggregate classification (germline): Uncertain significance (1 of 4 stars; one submission).

Conditions:
Hereditary nonpolyposis colorectal neoplasms. Identifiers: MedGen C0009405, MeSH D003123.

Allele frequency attached by ClinVar (database versions not stated): gnomAD exomes below 0.00001.
gnomAD v4.1: 1 of 1,613,900 alleles (0.000062%); highest among the groups gnomAD compares: East Asian, 0.0022%; no homozygotes.

Submission:

Labcorp Genetics (formerly Invitae), Labcorp
Classification: Uncertain significance for Hereditary nonpolyposis colorectal neoplasms. Last evaluated: 2023-07-08. Review status: criteria provided, single submitter. Criteria: Invitae Variant Classification Sherloc (09022015). Collection method: clinical testing. Allele origin: germline.
Comment: This sequence change replaces leucine, which is neutral and non-polar, with valine, which is neutral and non-polar, at codon 821 of the MSH6 protein (p.Leu821Val). In summary, the available evidence is currently insufficient to determine the role of this variant in disease. Therefore, it has been classified as a Variant of Uncertain Significance. Advanced modeling of protein sequence and biophysical properties (such as structural, functional, and spatial information, amino acid conservation, physicochemical variation, residue mobility, and thermodynamic stability) has been performed at Invitae for this missense variant, however the output from this modeling did not meet the statistical confidence thresholds required to predict the impact of this variant on MSH6 protein function. ClinVar contains an entry for this variant (Variation ID: 951772). This variant has not been reported in the literature in individuals affected with MSH6-related conditions. This variant is present in population databases (no rsID available, gnomAD 0.006%).

NM_000179.3(MSH6):c.2461C>G (p.Leu821Val)

Gene: MSH6 (mutS homolog 6; plus strand). Cytogenetic location: 2p16.3.
Variant type: single nucleotide variant.
Coding change: c.2461C>G on transcript NM_000179.3 (MANE Select); coding-DNA position 2461, C replaced by G.
Protein change: p.Leu821Val; replaces leucine 821 with valine.
Molecular consequence: missense variant.
Genome position (GRCh38, 1-based): chr2:47,800,444, C>G. VCF-style: chr2-47800444-C-G. GRCh37 (hg19) VCF-style: chr2-48027583-C-G.
Other names: c.2071C>G, p.Leu691Val (NM_001281492.2); c.1555C>G, p.Leu519Val (NM_001281493.2, NM_001281494.2); short protein forms L519V, L821V, L691V.
Identifiers: ClinVar variation 951772 (VCV000951772.10), dbSNP rs1406567431, ClinGen allele CA346754091.